The following is an entry in ClinVar:

ClinVar aggregate classification (germline): Uncertain significance. Review status: criteria provided, multiple submitters, no conflicts (2 of 4 stars). 3 submissions from 3 submitters: Uncertain significance (3). Last evaluated 2025-09-13.

Conditions:
Aortic aneurysm, familial thoracic 4 (AAT4). Also called: AORTIC ANEURYSM/AORTIC DISSECTION AND PATENT DUCTUS ARTERIOSUS. Identifiers: MedGen C1851504, MONDO:0007568, OMIM 132900.
Familial thoracic aortic aneurysm and aortic dissection (TAAD). Also called: Thoracic aortic aneurysms and dissections. Identifiers: Orphanet 91387, MedGen C4707243, MONDO:0019625.

Allele frequency attached by ClinVar (database versions not stated): ExAC 0.00001; gnomAD exomes 0.00001; TOPMed 0.00001.
gnomAD v4.1: 9 of 1,614,184 alleles (0.00056%); highest among the groups gnomAD compares: South Asian, 0.0066%; no homozygotes.

Submissions (3):

GeneDx
Classification: Uncertain significance. Last evaluated: 2025-09-13. Review status: criteria provided, single submitter. Criteria: GeneDx Variant Classification Process June 2021. Collection method: clinical testing. Allele origin: germline. Affected: yes.
Comment: Not observed at significant frequency in large population cohorts (gnomAD); In silico analysis supports that this missense variant has a deleterious effect on protein structure/function; Has not been previously published as pathogenic or benign to our knowledge

Ambry Genetics
Classification: Uncertain significance for Familial thoracic aortic aneurysm and aortic dissection. Last evaluated: 2024-04-16. Review status: criteria provided, single submitter. Criteria: Ambry Variant Classification Scheme 2023. Collection method: clinical testing. Allele origin: germline.
Comment: The p.R1490Q variant (also known as c.4469G>A), located in coding exon 31 of the MYH11 gene, results from a G to A substitution at nucleotide position 4469. The arginine at codon 1490 is replaced by glutamine, an amino acid with highly similar properties. This amino acid position is conserved. In addition, the in silico prediction for this alteration is inconclusive. Based on the available evidence, the clinical significance of this variant remains unclear.

Labcorp Genetics (formerly Invitae), Labcorp
Classification: Uncertain significance for Aortic aneurysm, familial thoracic 4. Last evaluated: 2024-01-01. Review status: criteria provided, single submitter. Criteria: Invitae Variant Classification Sherloc (09022015). Collection method: clinical testing. Allele origin: germline.
Comment: This sequence change replaces arginine, which is basic and polar, with glutamine, which is neutral and polar, at codon 1497 of the MYH11 protein (p.Arg1497Gln). This variant is present in population databases (rs754307089, gnomAD 0.01%). This variant has not been reported in the literature in individuals affected with MYH11-related conditions. Advanced modeling of protein sequence and biophysical properties (such as structural, functional, and spatial information, amino acid conservation, physicochemical variation, residue mobility, and thermodynamic stability) performed at Invitae indicates that this missense variant is not expected to disrupt MYH11 protein function with a negative predictive value of 95%. In summary, the available evidence is currently insufficient to determine the role of this variant in disease. Therefore, it has been classified as a Variant of Uncertain Significance.

NM_002474.3(MYH11):c.4469G>A (p.Arg1490Gln)

Genes: MYH11 (myosin heavy chain 11; minus strand), NDE1 (nudE neurodevelopment protein 1; plus strand). Cytogenetic location: 16p13.11.
Variant type: single nucleotide variant.
Coding change: c.4469G>A on transcript NM_002474.3 (MANE Select); coding-DNA position 4469, G replaced by A.
Protein change: p.Arg1490Gln; replaces arginine 1490 with glutamine.
Molecular consequence: missense variant. On other transcripts: intron variant (2).
Genome position (GRCh38, 1-based): chr16:15,721,531, C>T on the plus strand (G>A on the coding strand, the complement: MYH11 is on the minus strand). VCF-style: chr16-15721531-C-T. GRCh37 (hg19) VCF-style: chr16-15815388-C-T.
Other names: c.4490G>A, p.Arg1497Gln (NM_001040113.2, NM_001040114.2); c.4469G>A, p.Arg1490Gln (NM_022844.3); c.948-2660C>T (NM_001143979.2, NM_017668.3); short protein forms R1490Q, R1497Q.
Identifiers: ClinVar variation 2958700 (VCV002958700.5), dbSNP rs754307089, ClinGen allele CA7921662.